The following is an entry in ClinVar:

ClinVar aggregate classification (germline): Uncertain significance (1 of 4 stars; one submission).

Submission:

GeneDx
Classification: Uncertain significance. Last evaluated: 2024-06-10. Review status: criteria provided, single submitter. Criteria: GeneDx Variant Classification Process June 2021. Collection method: clinical testing. Allele origin: germline. Affected: yes.
Comment: Not observed at significant frequency in large population cohorts (gnomAD); In silico analysis supports that this missense variant has a deleterious effect on protein structure/function; Has not been previously published as pathogenic or benign to our knowledge

NM_001395159.1(UNC79):c.5890G>C (p.Asp1964His)

Gene: UNC79 (unc-79 homolog, NALCN channel complex subunit; plus strand). Cytogenetic location: 14q32.12.
Variant type: single nucleotide variant.
Coding change: c.5890G>C on transcript NM_001395159.1 (MANE Select); coding-DNA position 5890, G replaced by C.
Protein change: p.Asp1964His; replaces aspartic acid 1964 with histidine.
Molecular consequence: missense variant.
Genome position (GRCh38, 1-based): chr14:93,630,866, G>C. VCF-style: chr14-93630866-G-C. GRCh37 (hg19) VCF-style: chr14-94097212-G-C.
Other names: c.5824G>C, p.Asp1942His (NM_001346218.2); c.5143G>C, p.Asp1715His (NM_020818.5); short protein forms D1715H, D1942H, D1964H.
Identifiers: ClinVar variation 3390410 (VCV003390410.1).